The following is an entry in ClinVar:

ClinVar aggregate classification (germline): Conflicting classifications of pathogenicity. Review status: criteria provided, conflicting classifications (1 of 4 stars). 2 submissions from 2 submitters: Uncertain significance (1); Likely benign (1). Last evaluated 2024-02-20.

Submissions (2):

Labcorp Genetics (formerly Invitae), Labcorp
Classification: Uncertain significance. Last evaluated: 2024-02-20. Review status: criteria provided, single submitter. Criteria: Invitae Variant Classification Sherloc (09022015). Collection method: clinical testing. Allele origin: germline.
Comment: This sequence change replaces arginine, which is basic and polar, with glutamine, which is neutral and polar, at codon 1799 of the CACNA1F protein (p.Arg1799Gln). This variant is present in population databases (rs782599728, gnomAD 0.02%). This variant has not been reported in the literature in individuals affected with CACNA1F-related conditions. Algorithms developed to predict the effect of missense changes on protein structure and function output the following: SIFT: "Not Available"; PolyPhen-2: "Benign"; Align-GVGD: "Not Available". The glutamine amino acid residue is found in multiple mammalian species, which suggests that this missense change does not adversely affect protein function. In summary, the available evidence is currently insufficient to determine the role of this variant in disease. Therefore, it has been classified as a Variant of Uncertain Significance.

Blueprint Genetics
Classification: Likely benign. Last evaluated: 2020-09-18. Review status: criteria provided, single submitter. Criteria: ACMG Guidelines, 2015. Collection method: clinical testing. Allele origin: germline.

NM_001256789.3(CACNA1F):c.5363G>A (p.Arg1788Gln)

Gene: CACNA1F (calcium voltage-gated channel subunit alpha1 F; minus strand). Cytogenetic location: Xp11.23.
Variant type: single nucleotide variant.
Coding change: c.5363G>A on transcript NM_001256789.3 (MANE Select); coding-DNA position 5363, G replaced by A.
Protein change: p.Arg1788Gln; replaces arginine 1788 with glutamine.
Molecular consequence: missense variant.
Genome position (GRCh38, 1-based): chrX:49,206,620, C>T on the plus strand (G>A on the coding strand, the complement: CACNA1F is on the minus strand). VCF-style: chrX-49206620-C-T. GRCh37 (hg19) VCF-style: chrX-49063081-C-T.
Other names: c.5201G>A, p.Arg1734Gln (NM_001256790.3); c.5396G>A, p.Arg1799Gln (NM_005183.4); short protein forms R1734Q, R1788Q, R1799Q.
Identifiers: ClinVar variation 3616809 (VCV003616809.3).